The following is an entry in ClinVar:

ClinVar aggregate classification (germline): Uncertain significance (1 of 4 stars; one submission).

Submission:

Athena Diagnostics
Classification: Uncertain significance. Last evaluated: 2022-11-04. Review status: criteria provided, single submitter. Criteria: Athena Diagnostics Criteria. Collection method: clinical testing. Allele origin: unknown.
Comment: Available data are insufficient to determine the clinical significance of the variant at this time. This variant has not been reported in large, multi-ethnic general populations. At least one other missense variant at this codon is considered to be pathogenic or likely pathogenic, suggesting this variant may also cause disease. Computational tools predict that this variant is not damaging.

NM_175914.5(HNF4A):c.1051A>G (p.Met351Val)

Gene: HNF4A (hepatocyte nuclear factor 4 alpha; plus strand). Cytogenetic location: 20q13.12.
Variant type: single nucleotide variant.
Coding change: c.1051A>G on transcript NM_175914.5 (MANE Select); coding-DNA position 1051, A replaced by G.
Protein change: p.Met351Val; replaces methionine 351 with valine.
Molecular consequence: missense variant.
Genome position (GRCh38, 1-based): chr20:44,424,242, A>G. VCF-style: chr20-44424242-A-G. GRCh37 (hg19) VCF-style: chr20-43052882-A-G.
Other names: c.1117A>G, p.Met373Val (NM_000457.6, NM_178849.3, NM_178850.3); c.1051A>G, p.Met351Val (NM_001030003.3, NM_001030004.3); c.1096A>G, p.Met366Val (NM_001258355.2); c.1042A>G, p.Met348Val (NM_001287182.2, NM_001287183.2, NM_001287184.2); short protein forms M348V, M351V, M366V, M373V.
Identifiers: ClinVar variation 2684229 (VCV002684229.1), dbSNP rs2515714893, ClinGen allele CA409108803.